The following is an entry in ClinVar:

NM_144643.4(SCLT1):c.38G>A (p.Arg13Gln)

Gene: SCLT1 (sodium channel and clathrin linker 1; minus strand). Cytogenetic location: 4q28.2.
Variant type: single nucleotide variant.
Coding change: c.38G>A on transcript NM_144643.4 (MANE Select); coding-DNA position 38, G replaced by A.
Protein change: p.Arg13Gln; replaces arginine 13 with glutamine.
Molecular consequence: missense variant.
Genome position (GRCh38, 1-based): chr4:129,082,370, C>T on the plus strand (G>A on the coding strand, the complement: SCLT1 is on the minus strand). VCF-style: chr4-129082370-C-T. GRCh37 (hg19) VCF-style: chr4-130003525-C-T.
Other names: c.38G>A, p.Arg13Gln (NM_001300897.2, NM_001300898.2); c.38G>A (NM_144643.3); short protein forms R13Q.
Identifiers: ClinVar variation 1434284 (VCV001434284.8), dbSNP rs375916585, ClinGen allele CA3080099.

ClinVar aggregate classification (germline): Uncertain significance. Review status: criteria provided, multiple submitters, no conflicts (2 of 4 stars). 3 submissions from 3 submitters: Uncertain significance (3). Last evaluated 2025-02-11.

Conditions:
SCLT1-related disorder. Also called: SCLT1-related condition.

Allele frequency attached by ClinVar (database versions not stated): gnomAD 0.00006; TOPMed 0.00007; gnomAD exomes 0.00010; ExAC 0.00011; ESP Exome Variant Server 0.00015.
gnomAD v4.1: 142 of 1,584,630 alleles (0.009%); highest among the groups gnomAD compares: Middle Eastern, 0.033%; no homozygotes.

Submissions (3):

PreventionGenetics, part of Exact Sciences
Classification: Uncertain significance for SCLT1-related condition. Last evaluated: 2025-02-11. Review status: criteria provided, single submitter. Criteria: ACMG Guidelines, 2015. Collection method: clinical testing. Allele origin: germline.
Comment: The SCLT1 c.38G>A variant is predicted to result in the amino acid substitution p.Arg13Gln. This variant has been reported as a variant of uncertain significance, along with a second missense SCLT1 alteration (phase unknown), in an individual with retinal disease (Weisschuh et al. 2024. PubMed ID: 37734845). This variant is reported in 0.017% of alleles in individuals of European (Non-Finnish) descent in gnomAD. At this time, the clinical significance of this variant is uncertain due to the absence of conclusive functional and genetic evidence.

Blueprint Genetics
Classification: Uncertain significance. Last evaluated: 2024-06-14. Review status: criteria provided, single submitter. Criteria: ACMG Guidelines, 2015. Collection method: clinical testing. Allele origin: germline.

Labcorp Genetics (formerly Invitae), Labcorp
Classification: Uncertain significance. Last evaluated: 2022-09-01. Review status: criteria provided, single submitter. Criteria: Invitae Variant Classification Sherloc (09022015). Collection method: clinical testing. Allele origin: germline.
Comment: This sequence change replaces arginine, which is basic and polar, with glutamine, which is neutral and polar, at codon 13 of the SCLT1 protein (p.Arg13Gln). This variant is present in population databases (rs375916585, gnomAD 0.02%). This variant has not been reported in the literature in individuals affected with SCLT1-related conditions. ClinVar contains an entry for this variant (Variation ID: 1434284). Algorithms developed to predict the effect of missense changes on protein structure and function output the following: SIFT: "Tolerated"; PolyPhen-2: "Benign"; Align-GVGD: "Class C0". The glutamine amino acid residue is found in multiple mammalian species, which suggests that this missense change does not adversely affect protein function. In summary, the available evidence is currently insufficient to determine the role of this variant in disease. Therefore, it has been classified as a Variant of Uncertain Significance.